The following is an entry in ClinVar:

ClinVar aggregate classification (germline): Uncertain significance. Review status: criteria provided, multiple submitters, no conflicts (2 of 4 stars). 2 submissions from 2 submitters: Uncertain significance (2). Last evaluated 2024-09-29.

Conditions:
Inborn genetic diseases. Identifiers: MedGen C0950123, MeSH D030342.
Familial cold autoinflammatory syndrome 2 (FCAS2). Identifiers: Orphanet 247868, MedGen C2673198, MONDO:0012724, OMIM 611762.

Allele frequency attached by ClinVar (database versions not stated): gnomAD exomes 0.00001; gnomAD 0.00002; TOPMed 0.00002.
gnomAD v4.1: 35 of 1,613,258 alleles (0.0022%); highest among the groups gnomAD compares: Non-Finnish European, 0.0025%; no homozygotes.

Submissions (2):

Labcorp Genetics (formerly Invitae), Labcorp
Classification: Uncertain significance for Familial cold autoinflammatory syndrome 2. Last evaluated: 2024-09-29. Review status: criteria provided, single submitter. Criteria: Invitae Variant Classification Sherloc (09022015). Collection method: clinical testing. Allele origin: germline.
Comment: This sequence change replaces serine, which is neutral and polar, with arginine, which is basic and polar, at codon 671 of the NLRP12 protein (p.Ser671Arg). This variant is present in population databases (no rsID available, gnomAD 0.002%). This variant has not been reported in the literature in individuals affected with NLRP12-related conditions. ClinVar contains an entry for this variant (Variation ID: 862153). Invitae Evidence Modeling of protein sequence and biophysical properties (such as structural, functional, and spatial information, amino acid conservation, physicochemical variation, residue mobility, and thermodynamic stability) indicates that this missense variant is not expected to disrupt NLRP12 protein function with a negative predictive value of 80%. In summary, the available evidence is currently insufficient to determine the role of this variant in disease. Therefore, it has been classified as a Variant of Uncertain Significance.

Ambry Genetics
Classification: Uncertain significance for Inborn genetic diseases. Last evaluated: 2024-05-15. Review status: criteria provided, single submitter. Criteria: Ambry Variant Classification Scheme 2023. Collection method: clinical testing. Allele origin: germline.

NM_144687.4(NLRP12):c.2013C>A (p.Ser671Arg)

Gene: NLRP12 (NLR family pyrin domain containing 12; minus strand). Cytogenetic location: 19q13.42.
Variant type: single nucleotide variant.
Coding change: c.2013C>A on transcript NM_144687.4 (MANE Select); coding-DNA position 2013, C replaced by A.
Protein change: p.Ser671Arg; replaces serine 671 with arginine.
Molecular consequence: missense variant.
Genome position (GRCh38, 1-based): chr19:53,809,646, G>T on the plus strand (C>A on the coding strand, the complement: NLRP12 is on the minus strand). VCF-style: chr19-53809646-G-T. GRCh37 (hg19) VCF-style: chr19-54312900-G-T.
Other names: c.2013C>A, p.Ser671Arg (NM_001277126.2, NM_001277129.1); c.2013C>A (NM_144687.2); short protein forms S671R.
Identifiers: ClinVar variation 862153 (VCV000862153.10), dbSNP rs781329641, ClinGen allele CA407411600.